The following is an entry in ClinVar:

ClinVar aggregate classification (germline): Pathogenic/Likely pathogenic. Review status: criteria provided, multiple submitters, no conflicts (2 of 4 stars). 20 submissions from 20 submitters: Pathogenic (8); Likely pathogenic (8). 4 of the submissions do not count toward it. Last evaluated 2026-08-27.

Conditions:
USH2A-related disorder. Also called: USH2A-related disorders; USH2A-related condition. Identifiers: MedGen CN239332.
Retinal dystrophy. Also called: Inherited retinal dystrophy. Identifiers: Orphanet 71862, MedGen C0854723, MeSH D058499, MONDO:0019118, HP:0000556.
Cone-rod dystrophy 3 (CORD3). Identifiers: Orphanet 1872, MedGen C1858806, MONDO:0011395, OMIM 604116.
Usher syndrome. Also called: Usher Syndromes; Usher's syndrome. Identifiers: Orphanet 886, MedGen CN469326, MeSH D052245, MONDO:0019501. Disease mechanism: loss of function.
Usher syndrome type 2A. Also called: USHER SYNDROME, TYPE IIA; RETINAL DISEASE IN USHER SYNDROME TYPE IIA, MODIFIER OF. Identifiers: Orphanet 231178, Orphanet 886, MedGen C1848634, MONDO:0010169, OMIM 276901.
Retinitis pigmentosa 39 (RP39). Identifiers: Orphanet 791, MedGen C3151138, MONDO:0013436, OMIM 613809.
Retinitis pigmentosa (RP). Identifiers: Orphanet 791, MedGen C0035334, MeSH D012174, MONDO:0019200, OMIM 268000. Inheritance: Autosomal dominant, autosomal recessive and X linked inheritance.

Allele frequency attached by ClinVar (database versions not stated): ESP Exome Variant Server 0.00008; TOPMed 0.00009; gnomAD 0.00013 and 0.00014.
gnomAD v4.1: 164 of 1,613,546 alleles (0.01%); highest among the groups gnomAD compares: Middle Eastern, 0.049%; no homozygotes.

Submissions 1 to 13 of 20:

Department of Molecular Genetics, Istishari Arab Hospital
Classification: Pathogenic for Usher syndrome type 2A. Last evaluated: 2026-08-27. Review status: criteria provided, single submitter. Criteria: ACMG Guidelines, 2015. Collection method: clinical testing. Allele origin: germline. Inheritance: Autosomal recessive inheritance. Affected: yes.
Comment: USH2A, c.6937G>T, p.Gly2313Cys sequence change replaces glycine, which is neutral and non-polar, with cysteine, which is neutral and slightly polar, at codon 2313 of the USH2A protein. This variant was observed with very low frequency in the gnomAD v4.1.0 dataset. In silico analysis supports that this missense variant has a deleterious effect on protein structure/function. It is classified as pathogenic based on the implementation of the ACMG/AMP/ClinGen SVI guidelines.

PreventionGenetics, part of Exact Sciences
Classification: Pathogenic for USH2A-related condition. Last evaluated: 2026-08-07. Review status: criteria provided, single submitter. Criteria: ACMG Guidelines, 2015. Collection method: clinical testing. Allele origin: germline.
Comment: The USH2A c.6937G>T variant is predicted to result in the amino acid substitution p.Gly2313Cys. This variant has been reported many times in the compound heterozygous state in individuals with autosomal recessive retinitis pigmentosa (see for examples: Bravo-Gil et al. 2016. PubMed ID: 27032803; Beryozkin et al. 2015. PubMed ID: 26306921; Sharon et al. 2015. PubMed ID: 26261414: Table S1, Karali et al. 2022. PubMed ID: 36460718: Table S4, Panneman et al. 2023. PubMed ID: 36819107). Given the evidence, we interpret this variant as pathogenic.

Labcorp Genetics (formerly Invitae), Labcorp
Classification: Pathogenic. Last evaluated: 2026-01-14. Review status: criteria provided, single submitter. Criteria: Invitae Variant Classification Sherloc (09022015). Collection method: clinical testing. Allele origin: germline.
Comment: This sequence change replaces glycine, which is neutral and non-polar, with cysteine, which is neutral and slightly polar, at codon 2313 of the USH2A protein (p.Gly2313Cys). This variant is present in population databases (rs199840367, gnomAD 0.02%). This missense change has been observed in individual(s) with retinitis pigmentosa (PMID: 26261414, 26306921, 27032803, 28981474; internal data). In at least one individual the data is consistent with being in trans (on the opposite chromosome) from a pathogenic variant. It has also been observed to segregate with disease in related individuals. ClinVar contains an entry for this variant (Variation ID: 384319). Invitae Evidence Modeling of protein sequence and biophysical properties (such as structural, functional, and spatial information, amino acid conservation, physicochemical variation, residue mobility, and thermodynamic stability) indicates that this missense variant is expected to disrupt USH2A protein function with a positive predictive value of 95%. For these reasons, this variant has been classified as Pathogenic.

3billion
Classification: Pathogenic for USH2A-related disorder. Last evaluated: 2025-12-03. Review status: criteria provided, single submitter. Criteria: ACMG Guidelines, 2015. Collection method: clinical testing. Allele origin: germline. Affected: yes.
Comment: The variant is observed at an extremely low frequency in the gnomAD v4.1.0 dataset (total allele frequency: 0.010%). Predicted Consequence/Location: Missense variant In silico tool predictions suggest damaging effect of the variant on gene or gene product [REVEL: 0.68 (>=0.6, sensitivity 0.68 and specificity 0.92); 3Cnet: 0.95 (> 0.75, sensitivity 0.96 and precision 0.92)]. The same nucleotide change resulting in the same amino acid change has been previously reported as pathogenic/likely pathogenic with strong evidence (ClinVar ID: VCV000384319 /PMID: 26261414). The variant has been reported to be in trans with a pathogenic variant as either compound heterozygous or homozygous in at least 2 similarly affected unrelated individuals (PMID: 26306921, 27032803, 28981474). Different missense changes at the same codon (p.Gly2313Arg, p.Gly2313Ser) have been reported as pathogenic/likely pathogenic with strong evidence (ClinVar ID: VCV002428084, VCV002738742). Therefore, this variant is classified as Pathogenic according to the recommendation of ACMG/AMP guideline.

Natera, Inc.
Classification: Likely pathogenic for Usher syndrome type 2A. Last evaluated: 2025-09-19. Review status: criteria provided, single submitter. Criteria: Natera Variant Classification Schema (03/2026). Collection method: clinical testing. Allele origin: germline.
Comment: The c.6937G>T variant in USH2A is a missense variant predicted to cause substitution of glycine to cysteine at amino acid 2313. This variant is rare in the general population with a frequency below the threshold expected for the associated phenotype(s). This variant has been observed in one or more individuals affected with the associated recessive disease, as either homozygous or compound heterozygous with a second variant (PMID: 27032803, 31213501, 35672425, 36819107, 39560289). Additionally, this variant has been observed to segregate in affected family members (PMID: 27032803). Computational prediction algorithms indicate this variant is likely to affect gene or protein function. Given the available evidence, this variant is classified as Likely Pathogenic.

Women's Health and Genetics/Laboratory Corporation of America, LabCorp
Classification: Pathogenic for Usher syndrome. Last evaluated: 2025-03-14. Review status: criteria provided, single submitter. Criteria: LabCorp Variant Classification Summary - May 2015. Collection method: clinical testing. Allele origin: germline.
Comment: Variant summary: USH2A c.6937G>T (p.Gly2313Cys) results in a non-conservative amino acid change located in the Fibronectin type III repeat domain (IPR003961) of the encoded protein sequence. Five of five in-silico tools predict a damaging effect of the variant on protein function. The variant allele was found at a frequency of 0.00012 in 250934 control chromosomes. This frequency is not significantly higher than estimated for a pathogenic variant in USH2A causing Usher Syndrome (0.00012 vs 0.011), allowing no conclusion about variant significance. c.6937G>T has been reported in multiple individuals affected with retinitis pigmentosa (e.g. Sharon_2015, Bravo-Gil_2016, Comander_2017, Koyanagi_2019, Jauregui_2020, Karali_2022, Ganapathi_2022, Sen_2023, Labcorp Genetics (formerly Invitae)). These data indicate that the variant is very likely to be associated with disease. To our knowledge, no experimental evidence demonstrating an impact on protein function has been reported. The following publications have been ascertained in the context of this evaluation (PMID: 27032803, 28981474, 35672425, 32098976, 36460718, 31213501, 37322672, 26261414). ClinVar contains an entry for this variant (Variation ID: 384319). Based on the evidence outlined above, the variant was classified as pathogenic.

Blueprint Genetics
Classification: Pathogenic for USH2A-related disorders. Last evaluated: 2024-10-23. Review status: criteria provided, single submitter. Criteria: ACMG Guidelines, 2015. Collection method: clinical testing. Allele origin: germline. Affected: yes. Observed: 5 variant alleles.

Genomic Medicine Center of Excellence, King Faisal Specialist Hospital and Research Centre
Classification: Likely pathogenic for Usher syndrome type 2A. Last evaluated: 2024-04-04. Review status: criteria provided, single submitter. Criteria: ACMG Guidelines, 2015. Collection method: clinical testing. Allele origin: germline.

Baylor Genetics
Classification: Likely pathogenic for Retinitis pigmentosa 39. Last evaluated: 2024-03-28. Review status: criteria provided, single submitter. Criteria: ACMG Guidelines, 2015. Collection method: clinical testing. Allele origin: unknown.

Fulgent Genetics
Classification: Pathogenic for Usher syndrome type 2A; Retinitis pigmentosa 39. Last evaluated: 2024-02-25. Review status: criteria provided, single submitter. Criteria: ACMG Guidelines, 2015. Collection method: clinical testing. Allele origin: germline.

Revvity Omics, Revvity
Classification: Likely pathogenic. Last evaluated: 2023-05-26. Review status: criteria provided, single submitter. Criteria: ACMG Guidelines, 2015. Collection method: clinical testing. Allele origin: germline.

GeneDx
Classification: Likely pathogenic. Last evaluated: 2023-04-18. Review status: criteria provided, single submitter. Criteria: GeneDx Variant Classification Process June 2021. Collection method: clinical testing. Allele origin: germline. Affected: yes.
Comment: In silico analysis supports that this missense variant has a deleterious effect on protein structure/function; This variant is associated with the following publications: (PMID: 34758253, 27032803, 26261414, 26306921, 34426522, 31589614, 31456290, 34335733, 28981474)

Department of Pathology and Laboratory Medicine, Sinai Health System
Classification: Likely pathogenic for Usher syndrome type 2A; Retinitis pigmentosa 39. Last evaluated: 2023-02-06. Review status: criteria provided, single submitter. Criteria: ACMG Guidelines, 2015. Collection method: research. Allele origin: germline.

NM_206933.4(USH2A):c.6937G>T (p.Gly2313Cys)

Gene: USH2A (usherin; minus strand). Cytogenetic location: 1q41.
Variant type: single nucleotide variant.
Coding change: c.6937G>T on transcript NM_206933.4 (MANE Select); coding-DNA position 6937, G replaced by T.
Protein change: p.Gly2313Cys; replaces glycine 2313 with cysteine.
Molecular consequence: missense variant.
Genome position (GRCh38, 1-based): chr1:215,970,645, C>A on the plus strand (G>T on the coding strand, the complement: USH2A is on the minus strand). VCF-style: chr1-215970645-C-A. GRCh37 (hg19) VCF-style: chr1-216143987-C-A.
Other names: p.Gly2313Cys; short protein forms G2313C.
Identifiers: ClinVar variation 384319 (VCV000384319.72), dbSNP rs199840367, ClinGen allele CA1394996.